The following is an entry in ClinVar:

NM_032776.3(JMJD1C):c.1333G>A (p.Glu445Lys)

Gene: JMJD1C (jumonji domain containing 1C; minus strand). Cytogenetic location: 10q21.3.
Variant type: single nucleotide variant.
Coding change: c.1333G>A on transcript NM_032776.3 (MANE Select); coding-DNA position 1333, G replaced by A.
Protein change: p.Glu445Lys; replaces glutamic acid 445 with lysine.
Molecular consequence: missense variant. On other transcripts: non-coding transcript variant (1).
Genome position (GRCh38, 1-based): chr10:63,214,834, C>T on the plus strand (G>A on the coding strand, the complement: JMJD1C is on the minus strand). VCF-style: chr10-63214834-C-T. GRCh37 (hg19) VCF-style: chr10-64974594-C-T.
Other names: c.787G>A, p.Glu263Lys (NM_001282948.2, NM_001318154.2); c.469G>A, p.Glu157Lys (NM_001318153.2); c.1219G>A, p.Glu407Lys (NM_001322252.2); c.676G>A, p.Glu226Lys (NM_001322254.2, NM_001322258.2); short protein forms E407K, E445K, E263K, E157K, E226K.
Identifiers: ClinVar variation 2040013 (VCV002040013.4), dbSNP rs775201710, ClinGen allele CA208377397.

ClinVar aggregate classification (germline): Uncertain significance (1 of 4 stars; one submission).

Conditions:
Early Myoclonic Encephalopathy. Identifiers: MedGen C0270855.

Allele frequency attached by ClinVar (database versions not stated): TOPMed 0.00002; gnomAD 0.00001.
gnomAD v4.1: 51 of 1,613,682 alleles (0.0032%); highest among the groups gnomAD compares: Non-Finnish European, 0.0042%; no homozygotes.

Submission:

Labcorp Genetics (formerly Invitae), Labcorp
Classification: Uncertain significance for Early Myoclonic Encephalopathy. Last evaluated: 2024-01-31. Review status: criteria provided, single submitter. Criteria: Invitae Variant Classification Sherloc (09022015). Collection method: clinical testing. Allele origin: germline.
Comment: This sequence change replaces glutamic acid, which is acidic and polar, with lysine, which is basic and polar, at codon 445 of the JMJD1C protein (p.Glu445Lys). This variant is present in population databases (no rsID available, gnomAD 0.004%). This variant has not been reported in the literature in individuals affected with JMJD1C-related conditions. ClinVar contains an entry for this variant (Variation ID: 2040013). Advanced modeling of protein sequence and biophysical properties (such as structural, functional, and spatial information, amino acid conservation, physicochemical variation, residue mobility, and thermodynamic stability) performed at Invitae indicates that this missense variant is not expected to disrupt JMJD1C protein function with a negative predictive value of 80%. In summary, the available evidence is currently insufficient to determine the role of this variant in disease. Therefore, it has been classified as a Variant of Uncertain Significance.